The following is an entry in ClinVar:

ClinVar aggregate classification (germline): Likely benign (1 of 4 stars; one submission).

Submission:

GeneDx
Classification: Likely benign. Last evaluated: 2018-03-14. Review status: criteria provided, single submitter. Criteria: GeneDx Variant Classification (06012015). Collection method: clinical testing. Allele origin: germline. Affected: yes.
Comment: This variant is considered likely benign or benign based on one or more of the following criteria: it is a conservative change, it occurs at a poorly conserved position in the protein, it is predicted to be benign by multiple in silico algorithms, and/or has population frequency not consistent with disease.

NM_002691.4(POLD1):c.2136G>T (p.Pro712=)

Gene: POLD1 (DNA polymerase delta 1, catalytic subunit; plus strand). Cytogenetic location: 19q13.33.
Variant type: single nucleotide variant.
Coding change: c.2136G>T on transcript NM_002691.4 (MANE Select); coding-DNA position 2136, G replaced by T.
Protein change: p.Pro712=; no amino-acid change (proline 712 retained).
Molecular consequence: synonymous variant. On other transcripts: non-coding transcript variant (1).
Genome position (GRCh38, 1-based): chr19:50,409,648, G>T. VCF-style: chr19-50409648-G-T. GRCh37 (hg19) VCF-style: chr19-50912905-G-T.
Other names: c.2136G>T, p.Pro712= (NM_001256849.1); c.2214G>T, p.Pro738= (NM_001308632.1).
Identifiers: ClinVar variation 680704 (VCV000680704.1), dbSNP rs765207547, ClinGen allele CA508185952.
Genomic context (GRCh38, chr19:50,409,648, plus strand): 5'-GCTGAAGGTGAGCGCCAACTCCGTATACGGCTTCACTGGCGCCCAGGTGGGCAAGTTGCC[G>T]TGCCTGGAGATCTCACAGGTGGGCACTCGGGCCCCTGGAAGGCAACTGGGGGCAGGTGGG-3'
Protein context (NP_002682.2, residues 702-722): GFTGAQVGKL[Pro712=]CLEISQSVTG